The following is an entry in ClinVar:

ClinVar aggregate classification (germline): Conflicting classifications of pathogenicity. Review status: criteria provided, conflicting classifications (1 of 4 stars). 3 submissions from 3 submitters: Uncertain significance (2); Likely benign (1). Last evaluated 2025-05-09.

Conditions:
Hereditary cancer-predisposing syndrome. Also called: Neoplastic Syndromes, Hereditary; Tumor predisposition; Hereditary Cancer Syndrome; Hereditary neoplastic syndrome. Identifiers: Orphanet 140162, MedGen C0027672, MeSH D009386, MONDO:0015356.
Hereditary breast ovarian cancer syndrome. Also called: Breast and ovarian cancer; BRCA1- and BRCA2-Associated Hereditary Breast and Ovarian Cancer; Hereditary breast and ovarian cancer; Hereditary breast and/or ovarian cancer syndrome; Hereditary breast and ovarian cancer syndrome; Hereditary breast and ovarian cancer syndrome (HBOC). Identifiers: Orphanet 145, MedGen C0677776, MeSH D061325, MONDO:0003582. Disease mechanism: loss of function.

Submissions (3):

Labcorp Genetics (formerly Invitae), Labcorp
Classification: Uncertain significance for Hereditary breast ovarian cancer syndrome. Last evaluated: 2025-05-09. Review status: criteria provided, single submitter. Criteria: Invitae Variant Classification Sherloc (09022015). Collection method: clinical testing. Allele origin: germline.
Comment: This sequence change replaces glutamic acid, which is acidic and polar, with glycine, which is neutral and non-polar, at codon 1311 of the BRCA2 protein (p.Glu1311Gly). This variant is not present in population databases (gnomAD no frequency). This variant has not been reported in the literature in individuals affected with BRCA2-related conditions. ClinVar contains an entry for this variant (Variation ID: 652046). Invitae Evidence Modeling of protein sequence and biophysical properties (such as structural, functional, and spatial information, amino acid conservation, physicochemical variation, residue mobility, and thermodynamic stability) indicates that this missense variant is not expected to disrupt BRCA2 protein function with a negative predictive value of 95%. In summary, the available evidence is currently insufficient to determine the role of this variant in disease. Therefore, it has been classified as a Variant of Uncertain Significance.

University of Washington Department of Laboratory Medicine, University of Washington
Classification: Likely benign for Hereditary cancer-predisposing syndrome. Last evaluated: 2023-03-23. Review status: criteria provided, single submitter. Criteria: Dines et al. (Genet Med. 2020). Collection method: curation. Allele origin: germline.
Comment: Missense variant in a coldspot region where missense variants are very unlikely to be pathogenic (PMID:31911673).

BRCA2 exon 11 coldspot. Reclassification based on statistical prior probability.

Ambry Genetics
Classification: Uncertain significance for Hereditary cancer-predisposing syndrome. Last evaluated: 2015-09-25. Review status: criteria provided, single submitter. Criteria: Ambry Variant Classification Scheme 2023. Collection method: clinical testing. Allele origin: germline.
Comment: The p.E1311G variant (also known as c.3932A>G), located in coding exon 10 of the BRCA2 gene, results from an A to G substitution at nucleotide position 3932. The glutamic acid at codon 1311 is replaced by glycine, an amino acid with similar properties. This variant was not reported in population based cohorts in the following databases: Database of Single Nucleotide Polymorphisms (dbSNP), NHLBI Exome Sequencing Project (ESP), and 1000 Genomes Project. In the ESP, this variant was not observed in 6410 samples (12820 alleles) with coverage at this position. To date, this alteration has been detected with an allele frequency of approximately 0.001% (greater than 150000 alleles tested) in our clinical cohort. This amino acid position is poorly conserved in available vertebrate species. In addition, this alteration is predicted to be tolerated by in silico analysis. Since supporting evidence is limited at this time, the clinical significance of p.E1311G remains unclear.

NM_000059.4(BRCA2):c.3932A>G (p.Glu1311Gly)

Gene: BRCA2 (BRCA2 DNA repair associated; plus strand). Cytogenetic location: 13q13.1.
Variant type: single nucleotide variant.
Coding change: c.3932A>G on transcript NM_000059.4 (MANE Select); coding-DNA position 3932, A replaced by G.
Protein change: p.Glu1311Gly; replaces glutamic acid 1311 with glycine.
Molecular consequence: missense variant.
Genome position (GRCh38, 1-based): chr13:32,338,287, A>G. VCF-style: chr13-32338287-A-G. GRCh37 (hg19) VCF-style: chr13-32912424-A-G.
Other names: short protein forms E1311G.
Identifiers: ClinVar variation 652046 (VCV000652046.12), dbSNP rs1593900953, ClinGen allele CA387778852.